The following is an entry in ClinVar:

NM_032409.3(PINK1):c.502G>C (p.Ala168Pro)

Genes: MIR6084 (microRNA 6084; plus strand), PINK1 (PTEN induced kinase 1; plus strand), PINK1-AS (PINK1 antisense RNA; minus strand). Cytogenetic location: 1p36.12.
Variant type: single nucleotide variant.
Coding change: c.502G>C on transcript NM_032409.3 (MANE Select); coding-DNA position 502, G replaced by C.
Protein change: p.Ala168Pro; replaces alanine 168 with proline.
Molecular consequence: missense variant.
Genome position (GRCh38, 1-based): chr1:20,637,956, G>C. VCF-style: chr1-20637956-G-C. GRCh37 (hg19) VCF-style: chr1-20964449-G-C.
Other names: short protein forms A168P.
Identifiers: ClinVar variation 429877 (VCV000429877.12), dbSNP rs768091663, ClinGen allele CA660443.

ClinVar aggregate classification (germline): Pathogenic/Likely pathogenic. Review status: criteria provided, multiple submitters, no conflicts (2 of 4 stars). 4 submissions from 4 submitters: Pathogenic (3); Likely pathogenic (1). Last evaluated 2025-06-20.

Conditions:
Autosomal recessive early-onset Parkinson disease 6 (PARK6). Also called: PINK1-Related Parkinson Disease; PINK1 Type of Young-Onset Parkinson Disease; PARKINSON DISEASE 6, MODIFIER OF; PARKINSON DISEASE 6, EARLY-ONSET. Identifiers: Orphanet 2828, MedGen C1853833, MONDO:0011613, OMIM 605909.
PINK1-Related Parkinsonism.

Allele frequency attached by ClinVar (database versions not stated): TOPMed 0.00001; gnomAD exomes 0.00002; ExAC 0.00003.
gnomAD v4.1: 11 of 1,614,208 alleles (0.00068%); highest among the groups gnomAD compares: Non-Finnish European, 0.00085%; no homozygotes.

Submissions (4):

Labcorp Genetics (formerly Invitae), Labcorp
Classification: Pathogenic for Autosomal recessive early-onset Parkinson disease 6. Last evaluated: 2025-06-20. Review status: criteria provided, single submitter. Criteria: Invitae Variant Classification Sherloc (09022015). Collection method: clinical testing. Allele origin: germline.
Comment: This sequence change replaces alanine, which is neutral and non-polar, with proline, which is neutral and non-polar, at codon 168 of the PINK1 protein (p.Ala168Pro). This variant is present in population databases (rs768091663, gnomAD 0.004%). This missense change has been observed in individuals with Parkinson disease (PMID: 15349860, 16009891, 23063710, 33845304). ClinVar contains an entry for this variant (Variation ID: 429877). Invitae Evidence Modeling of protein sequence and biophysical properties (such as structural, functional, and spatial information, amino acid conservation, physicochemical variation, residue mobility, and thermodynamic stability) has been performed for this missense variant. However, the output from this modeling did not meet the statistical confidence thresholds required to predict the impact of this variant on PINK1 protein function. Experimental studies have shown that this missense change affects PINK1 function (PMID: 23303188, 23459931). For these reasons, this variant has been classified as Pathogenic.

GeneDx
Classification: Likely pathogenic. Last evaluated: 2024-05-29. Review status: criteria provided, single submitter. Criteria: GeneDx Variant Classification Process June 2021. Collection method: clinical testing. Allele origin: germline. Affected: yes.
Comment: Published functional studies demonstrate a damaging effect on PINK1 and Parkin phosphorylation, colocalization with Parkin, and Parkin recruitment to mitochondria (PMID: 23459931, 22910362, 24784582); In silico analysis supports that this missense variant has a deleterious effect on protein structure/function; Not observed at significant frequency in large population cohorts (gnomAD); This variant is associated with the following publications: (PMID: 19419854, 18221368, 21187721, 16207731, 23303188, 22644621, 22280891, 22910362, 24784582, 15349860, 19890973, 23063710, 27055476, 18584234, 31589614, 16009891, 32779864, 34893635, 35042401, 33931895, 33845304, 15955954, 23459931)

Institute of Medical Genetics and Applied Genomics, University Hospital Tübingen
Classification: Pathogenic for Autosomal recessive early-onset Parkinson disease 6. Last evaluated: 2024-03-15. Review status: criteria provided, single submitter. Criteria: ACMG Guidelines, 2015. Collection method: clinical testing. Allele origin: germline. Inheritance: Autosomal recessive inheritance. Affected: yes.

Department of Pathology and Laboratory Medicine, Sinai Health System
Classification: Pathogenic for Autosomal recessive early-onset Parkinson disease 6. Last evaluated: 2023-02-15. Review status: criteria provided, single submitter. Criteria: ACMG Guidelines, 2015. Collection method: research. Allele origin: germline.

Literature cited by the submitters: PubMed 15349860 (cited by Labcorp Genetics (formerly Invitae), Labcorp); PubMed 16009891 (cited by Labcorp Genetics (formerly Invitae), Labcorp); PubMed 23063710 (cited by Labcorp Genetics (formerly Invitae), Labcorp); PubMed 33845304 (cited by Labcorp Genetics (formerly Invitae), Labcorp); PubMed 23303188 (cited by Labcorp Genetics (formerly Invitae), Labcorp); PubMed 23459931 (cited by Labcorp Genetics (formerly Invitae), Labcorp).